The following is an entry in ClinVar:

ClinVar aggregate classification (germline): Benign (1 of 4 stars; one submission).

Allele frequency attached by ClinVar (database versions not stated): 1000 Genomes Project 0.05511; 1000 Genomes Project 30x 0.05778; TOPMed 0.07210; gnomAD 0.07273 and 0.07522.
gnomAD v4.1: 11,031 of 152,212 alleles (7.2%); highest among the groups gnomAD compares: African/African-American, 10%; 452 homozygotes.

Submission:

GeneDx
Classification: Benign. Last evaluated: 2018-06-19. Review status: criteria provided, single submitter. Criteria: GeneDx Variant Classification (06012015). Collection method: clinical testing. Allele origin: germline. Affected: yes.
Comment: This variant is considered likely benign or benign based on one or more of the following criteria: it is a conservative change, it occurs at a poorly conserved position in the protein, it is predicted to be benign by multiple in silico algorithms, and/or has population frequency not consistent with disease.

NM_203447.4(DOCK8):c.4473+246C>T

Gene: DOCK8 (dedicator of cytokinesis 8; plus strand). Cytogenetic location: 9p24.3.
Variant type: single nucleotide variant.
Coding change: c.4473+246C>T on transcript NM_203447.4 (MANE Select); 246 bases into the intron after coding-DNA position 4473, C replaced by T.
Molecular consequence: intron variant.
Genome position (GRCh38, 1-based): chr9:428,742, C>T. VCF-style: chr9-428742-C-T. GRCh37 (hg19) VCF-style: chr9-428742-C-T.
Other names: c.4269+246C>T (NM_001193536.2); c.4173+246C>T (NM_001190458.2).
Identifiers: ClinVar variation 676855 (VCV000676855.1), dbSNP rs12337949, ClinGen allele CA15611866.